The following is an entry in ClinVar:

ClinVar aggregate classification (germline): Uncertain significance (1 of 4 stars; one submission).

Submission:

Labcorp Genetics (formerly Invitae), Labcorp
Classification: Uncertain significance. Last evaluated: 2022-09-12. Review status: criteria provided, single submitter. Criteria: Invitae Variant Classification Sherloc (09022015). Collection method: clinical testing. Allele origin: germline.
Comment: This sequence change replaces arginine, which is basic and polar, with histidine, which is basic and polar, at codon 241 of the PTF1A protein (p.Arg241His). In summary, the available evidence is currently insufficient to determine the role of this variant in disease. Therefore, it has been classified as a Variant of Uncertain Significance. Algorithms developed to predict the effect of missense changes on protein structure and function output the following: SIFT: "Tolerated"; PolyPhen-2: "Not Available"; Align-GVGD: "Class C0". The histidine amino acid residue is found in multiple mammalian species, which suggests that this missense change does not adversely affect protein function. This variant has not been reported in the literature in individuals affected with PTF1A-related conditions. This variant is not present in population databases (gnomAD no frequency).

NM_178161.3(PTF1A):c.722G>A (p.Arg241His)

Gene: PTF1A (pancreas associated transcription factor 1a; plus strand). Cytogenetic location: 10p12.2.
Variant type: single nucleotide variant.
Coding change: c.722G>A on transcript NM_178161.3 (MANE Select); coding-DNA position 722, G replaced by A.
Protein change: p.Arg241His; replaces arginine 241 with histidine.
Molecular consequence: missense variant.
Genome position (GRCh38, 1-based): chr10:23,193,252, G>A. VCF-style: chr10-23193252-G-A. GRCh37 (hg19) VCF-style: chr10-23482181-G-A.
Other names: short protein forms R241H.
Identifiers: ClinVar variation 2079794 (VCV002079794.4), dbSNP rs749229626, ClinGen allele CA376263217.